The following is an entry in ClinVar:

NM_145054.5(CFAP52):c.734C>T (p.Ala245Val)

Gene: CFAP52 (cilia and flagella associated protein 52; plus strand). Cytogenetic location: 17p13.1.
Variant type: single nucleotide variant.
Coding change: c.734C>T on transcript NM_145054.5 (MANE Select); coding-DNA position 734, C replaced by T.
Protein change: p.Ala245Val; replaces alanine 245 with valine.
Molecular consequence: missense variant.
Genome position (GRCh38, 1-based): chr17:9,600,164, C>T. VCF-style: chr17-9600164-C-T. GRCh37 (hg19) VCF-style: chr17-9503481-C-T.
Other names: c.734C>T (NM_145054.4); c.530C>T, p.Ala177Val (NM_001080556.2); short protein forms A177V, A245V.
Identifiers: ClinVar variation 1001316 (VCV001001316.8), dbSNP rs146845939, ClinGen allele CA8381991.

ClinVar aggregate classification (germline): Conflicting classifications of pathogenicity. Review status: criteria provided, conflicting classifications (1 of 4 stars). 2 submissions from 2 submitters: Uncertain significance (1); Likely benign (1). Last evaluated 2025-07-14.

Conditions:
Situs inversus. Also called: Situs inversus totalis. Identifiers: Orphanet 101063, MedGen C4551493, MONDO:0010029, HP:0001696.

Allele frequency attached by ClinVar (database versions not stated): 1000 Genomes Project 30x 0.00016; 1000 Genomes Project 0.00020; TOPMed 0.00021; gnomAD 0.00022 and 0.00023; ESP Exome Variant Server 0.00023; gnomAD exomes 0.00026; ExAC 0.00030.
gnomAD v4.1: 466 of 1,613,836 alleles (0.029%); highest among the groups gnomAD compares: Non-Finnish European, 0.036%; no homozygotes.

Submissions (2):

Labcorp Genetics (formerly Invitae), Labcorp
Classification: Uncertain significance for Situs inversus. Last evaluated: 2025-07-14. Review status: criteria provided, single submitter. Criteria: Invitae Variant Classification Sherloc (09022015). Collection method: clinical testing. Allele origin: germline.
Comment: This sequence change replaces alanine, which is neutral and non-polar, with valine, which is neutral and non-polar, at codon 245 of the CFAP52 protein (p.Ala245Val). This variant is present in population databases (rs146845939, gnomAD 0.05%). This variant has not been reported in the literature in individuals affected with CFAP52-related conditions. ClinVar contains an entry for this variant (Variation ID: 1001316). An algorithm developed to predict the effect of missense changes on protein structure and function outputs the following: PolyPhen-2: "Benign". The valine amino acid residue is found in multiple mammalian species, which suggests that this missense change does not adversely affect protein function. In summary, the available evidence is currently insufficient to determine the role of this variant in disease. Therefore, it has been classified as a Variant of Uncertain Significance.

Ambry Genetics
Classification: Likely benign. Last evaluated: 2022-01-31. Review status: criteria provided, single submitter. Criteria: Ambry Variant Classification Scheme 2023. Collection method: clinical testing. Allele origin: germline.